The following is an entry in ClinVar:

ClinVar aggregate classification (germline): Uncertain significance (1 of 4 stars; one submission).

gnomAD v4.1: 9 of 1,614,120 alleles (0.00056%); highest among the groups gnomAD compares: Non-Finnish European, 0.00076%; no homozygotes.

Submission:

GeneDx
Classification: Uncertain significance. Last evaluated: 2014-03-03. Review status: criteria provided, single submitter. Criteria: GeneDx Variant Classification (06012015). Collection method: clinical testing. Allele origin: germline. Affected: yes.
Comment: p.Arg189Pro (CGG>CCG): c.566 G>C in exon 6 of the ATPAF2 gene (NM_145691.3). The R189P variant has not been published as a mutation, nor has it been reported as a benign polymorphism to our knowledge. The R189P variant is a non-conservative amino acid substitution, which is likely to impact secondary protein structure as these residues differ in polarity, charge, size and/or other properties. This substitution occurs at a position that is not conserved across species. In silico analysis predicts this variant likely does not alter the protein structure/function. Therefore, based on the currently available information, it is unclear whether this variant is a pathogenic mutation or a rare benign variant. The variant is found in MITONUC-MITOP panel(s).

NM_145691.4(ATPAF2):c.566G>C (p.Arg189Pro)

Gene: ATPAF2 (ATP synthase mitochondrial F1 complex assembly factor 2; minus strand). Cytogenetic location: 17p11.2.
Variant type: single nucleotide variant.
Coding change: c.566G>C on transcript NM_145691.4 (MANE Select); coding-DNA position 566, G replaced by C.
Protein change: p.Arg189Pro; replaces arginine 189 with proline.
Molecular consequence: missense variant.
Genome position (GRCh38, 1-based): chr17:18,021,795, C>G on the plus strand (G>C on the coding strand, the complement: ATPAF2 is on the minus strand). VCF-style: chr17-18021795-C-G. GRCh37 (hg19) VCF-style: chr17-17925109-C-G.
Other names: p.R189P:CGG>CCG; short protein forms R189P.
Identifiers: ClinVar variation 214136 (VCV000214136.2), dbSNP rs780166761, ClinGen allele CA322636.
Genomic context (GRCh38, chr17:18,021,795, plus strand): 5'-CCATACATGCCTTGTAAAGCCCATGTGTTGTAAGATGCCAGGTGGCTGACGAGCACCTCC[C>G]GAGTTTTGGCAGGGATGCTGGGTCCCATTATGCTGGTGGAGGAGCTGATCTCCACGCCGT-3'
Protein context (NP_663729.1, residues 179-199): IMGPSIPAKT[Arg189Pro]EVLVSHLASY